The following is an entry in ClinVar:

NM_001267550.2(TTN):c.105386C>G (p.Ala35129Gly)

Genes: TTN-AS1 (TTN antisense RNA 1; plus strand), TTN (titin; minus strand). Cytogenetic location: 2q31.2.
Variant type: single nucleotide variant.
Coding change: c.105386C>G on transcript NM_001267550.2 (MANE Select); coding-DNA position 105386, C replaced by G.
Protein change: p.Ala35129Gly; replaces alanine 35129 with glycine.
Molecular consequence: missense variant.
Genome position (GRCh38, 1-based): chr2:178,531,229, G>C on the plus strand (C>G on the coding strand, the complement: TTN is on the minus strand). VCF-style: chr2-178531229-G-C. GRCh37 (hg19) VCF-style: chr2-179395956-G-C.
Other names: c.100463C>G, p.Ala33488Gly (NM_001256850.1); c.78191C>G, p.Ala26064Gly (NM_003319.4); c.97682C>G, p.Ala32561Gly (NM_133378.4); c.78566C>G, p.Ala26189Gly (NM_133432.3); c.78767C>G, p.Ala26256Gly (NM_133437.4); short protein forms A26064G, A26189G, A33488G, A26256G, A35129G, A32561G.
Identifiers: ClinVar variation 956379 (VCV000956379.1), dbSNP rs1688988300, ClinGen allele CA349408867.
Genomic context (GRCh38, chr2:178,531,229, plus strand): 5'-GAAAACCTTGCAGACTCGCCCTCGTAGACGGTCATGGACCGTGGCTTTGTTAGAATTCTT[G>C]CTGCCAAAGTCGTCTTGATCTTTCTGGTTGTGGATTTTTCTTCCAGTGACTTTTCTTCTA-3'
Protein context (NP_001254479.2, residues 35119-35139): TTRKIKTTLA[Ala35129Gly]RILTKPRSMT

ClinVar aggregate classification (germline): Uncertain significance (1 of 4 stars; one submission).

Conditions:
Dilated cardiomyopathy 1G (CMD1G). Identifiers: Orphanet 154, MedGen C1858763, MONDO:0011400, OMIM 604145.
Autosomal recessive limb-girdle muscular dystrophy type 2J (LGMDR10). Also called: Limb-girdle muscular dystrophy, type 2J; MUSCULAR DYSTROPHY, LIMB-GIRDLE, AUTOSOMAL RECESSIVE 10. Identifiers: Orphanet 140922, MedGen C1837342, MONDO:0012127, OMIM 608807.

Allele frequency attached by ClinVar (database versions not stated): gnomAD exomes below 0.00001.

Submission:

Labcorp Genetics (formerly Invitae), Labcorp
Classification: Uncertain significance for Dilated cardiomyopathy 1G; Limb-girdle muscular dystrophy, type 2J. Last evaluated: 2019-08-05. Review status: criteria provided, single submitter. Criteria: Invitae Variant Classification Sherloc (09022015). Collection method: clinical testing. Allele origin: germline.
Comment: This sequence change replaces alanine with glycine at codon 35129 of the TTN protein (p.Ala35129Gly). There is a small physicochemical difference between alanine and glycine. This variant is not present in population databases (ExAC no frequency). This variant has not been reported in the literature in individuals with TTN-related conditions. This variant is located in the M band of TTN (PMID: 25589632). Variants in this region may be relevant for neuromuscular disorders, but have not been definitively shown to cause cardiomyopathy (PMID: 23975875). Algorithms developed to predict the effect of missense changes on protein structure and function are unavailable for the TTN gene. In summary, the available evidence is currently insufficient to determine the role of this variant in disease. Therefore, it has been classified as a Variant of Uncertain Significance.

Literature cited by the submitters: PubMed 23975875; PubMed 25589632.